The following is an entry in ClinVar:

NM_000316.3(PTH1R):c.1736A>C (p.Glu579Ala)

Gene: PTH1R (parathyroid hormone 1 receptor; plus strand). Cytogenetic location: 3p21.31.
Variant type: single nucleotide variant.
Coding change: c.1736A>C on transcript NM_000316.3 (MANE Select); coding-DNA position 1736, A replaced by C.
Protein change: p.Glu579Ala; replaces glutamic acid 579 with alanine.
Molecular consequence: missense variant.
Genome position (GRCh38, 1-based): chr3:46,903,610, A>C. VCF-style: chr3-46903610-A-C. GRCh37 (hg19) VCF-style: chr3-46945100-A-C.
Other names: c.1736A>C, p.Glu579Ala (NM_001184744.1); short protein forms E579A.
Identifiers: ClinVar variation 1386566 (VCV001386566.10), dbSNP rs201878291, ClinGen allele CA2359616.

ClinVar aggregate classification (germline): Conflicting classifications of pathogenicity. Review status: criteria provided, conflicting classifications (1 of 4 stars). 3 submissions from 3 submitters: Uncertain significance (2); Likely benign (1). Last evaluated 2025-05-12.

Conditions:
Metaphyseal chondrodysplasia, Jansen type. Also called: Metaphyseal chondrodysplasia Murk Jansen type; PTH1R-Related Jansen Metaphyseal Chondrodysplasia. Identifiers: Orphanet 33067, MedGen C0265295, MONDO:0007982, OMIM 156400.
Eiken syndrome (EKNS). Also called: BONE MODELING DEFECT OF HANDS AND FEET. Identifiers: Orphanet 79106, MedGen C1838779, MONDO:0010803, OMIM 600002.
Primary failure of tooth eruption. Also called: DENTAL NONERUPTION; PRIMARY RETENTION OF TEETH; UNERUPTED SECOND PRIMARY MOLAR; POSTERIOR OPENBITE MALOCCLUSION, FAMILIAL. Identifiers: Orphanet 412206, MedGen C1852222, MONDO:0007434, OMIM 125350.
Chondrodysplasia Blomstrand type (BOCD). Identifiers: Orphanet 50945, MedGen C1859148, MONDO:0008970, OMIM 215045.

Allele frequency attached by ClinVar (database versions not stated): gnomAD exomes 0.00002 and 0.00003; ExAC 0.00003; gnomAD 0.00005; TOPMed 0.00005; ESP Exome Variant Server 0.00008.

Submissions (3):

Labcorp Genetics (formerly Invitae), Labcorp
Classification: Uncertain significance. Last evaluated: 2025-05-12. Review status: criteria provided, single submitter. Criteria: Invitae Variant Classification Sherloc (09022015). Collection method: clinical testing. Allele origin: germline.
Comment: This sequence change replaces glutamic acid, which is acidic and polar, with alanine, which is neutral and non-polar, at codon 579 of the PTH1R protein (p.Glu579Ala). This variant is present in population databases (rs201878291, gnomAD 0.01%). This missense change has been observed in individual(s) with primary failure of tooth eruption (PMID: 23771181). ClinVar contains an entry for this variant (Variation ID: 1386566). An algorithm developed to predict the effect of missense changes on protein structure and function outputs the following: PolyPhen-2: "Benign". The alanine amino acid residue is found in multiple mammalian species, which suggests that this missense change does not adversely affect protein function. In summary, the available evidence is currently insufficient to determine the role of this variant in disease. Therefore, it has been classified as a Variant of Uncertain Significance.

Blueprint Genetics
Classification: Likely benign. Last evaluated: 2024-03-13. Review status: criteria provided, single submitter. Criteria: ACMG Guidelines, 2015. Collection method: clinical testing. Allele origin: germline.

Fulgent Genetics
Classification: Uncertain significance for Primary failure of tooth eruption; Metaphyseal chondrodysplasia, Jansen type; Chondrodysplasia Blomstrand type; Eiken syndrome. Last evaluated: 2021-11-03. Review status: criteria provided, single submitter. Criteria: ACMG Guidelines, 2015. Collection method: clinical testing. Allele origin: unknown.

Literature cited by the submitters: PubMed 23771181 (cited by Labcorp Genetics (formerly Invitae), Labcorp).